The following is an entry in ClinVar:

NM_005732.4(RAD50):c.781A>G (p.Asn261Asp)

Gene: RAD50 (RAD50 double strand break repair protein; plus strand). Cytogenetic location: 5q31.1.
Variant type: single nucleotide variant.
Coding change: c.781A>G on transcript NM_005732.4 (MANE Select); coding-DNA position 781, A replaced by G.
Protein change: p.Asn261Asp; replaces asparagine 261 with aspartic acid.
Molecular consequence: missense variant.
Genome position (GRCh38, 1-based): chr5:132,587,586, A>G. VCF-style: chr5-132587586-A-G. GRCh37 (hg19) VCF-style: chr5-131923278-A-G.
Other names: short protein forms N261D.
Identifiers: ClinVar variation 408411 (VCV000408411.12), dbSNP rs761954026, ClinGen allele CA3405040.

ClinVar aggregate classification (germline): Uncertain significance. Review status: criteria provided, multiple submitters, no conflicts (2 of 4 stars). 2 submissions from 2 submitters: Uncertain significance (2). Last evaluated 2025-03-02.

Conditions:
Hereditary cancer-predisposing syndrome. Also called: Hereditary Cancer Syndrome; Hereditary neoplastic syndrome; Neoplastic Syndromes, Hereditary; Tumor predisposition. Identifiers: Orphanet 140162, MedGen C0027672, MeSH D009386, MONDO:0015356.

Allele frequency attached by ClinVar (database versions not stated): gnomAD exomes below 0.00001; ExAC 0.00001.
gnomAD v4.1: 1 of 1,613,330 alleles (0.000062%); no homozygotes.

Submissions (2):

Labcorp Genetics (formerly Invitae), Labcorp
Classification: Uncertain significance for Hereditary cancer-predisposing syndrome. Last evaluated: 2025-03-02. Review status: criteria provided, single submitter. Criteria: Invitae Variant Classification Sherloc (09022015). Collection method: clinical testing. Allele origin: germline.
Comment: This sequence change replaces asparagine, which is neutral and polar, with aspartic acid, which is acidic and polar, at codon 261 of the RAD50 protein (p.Asn261Asp). This variant is present in population databases (rs761954026, gnomAD 0.01%). This variant has not been reported in the literature in individuals affected with RAD50-related conditions. ClinVar contains an entry for this variant (Variation ID: 408411). Invitae Evidence Modeling of protein sequence and biophysical properties (such as structural, functional, and spatial information, amino acid conservation, physicochemical variation, residue mobility, and thermodynamic stability) indicates that this missense variant is not expected to disrupt RAD50 protein function with a negative predictive value of 80%. In summary, the available evidence is currently insufficient to determine the role of this variant in disease. Therefore, it has been classified as a Variant of Uncertain Significance.

Ambry Genetics
Classification: Uncertain significance for Hereditary cancer-predisposing syndrome. Last evaluated: 2024-09-15. Review status: criteria provided, single submitter. Criteria: Ambry Variant Classification Scheme 2023. Collection method: clinical testing. Allele origin: germline.
Comment: The p.N261D variant (also known as c.781A>G), located in coding exon 6 of the RAD50 gene, results from an A to G substitution at nucleotide position 781. The asparagine at codon 261 is replaced by aspartic acid, an amino acid with highly similar properties. This amino acid position is conserved. In addition, this alteration is predicted to be tolerated by in silico analysis. Since supporting evidence is limited at this time, the clinical significance of this alteration remains unclear.